The following is an entry in ClinVar:

NM_001161352.2(KCNMA1):c.1284del (p.Leu429fs)

Gene: KCNMA1 (potassium calcium-activated channel subfamily M alpha 1; minus strand). Cytogenetic location: 10q22.3.
Variant type: Deletion.
Coding change: c.1284del on transcript NM_001161352.2 (MANE Select); coding-DNA position 1284, one base deleted (T; older notation c.1284delT).
Protein change: p.Leu429fs; shifts the reading frame from leucine 429.
Molecular consequence: frameshift variant.
Genome position (GRCh38, 1-based): chr10:77,090,450, A deleted on the plus strand (T on the coding strand, the reverse complement: KCNMA1 is on the minus strand); the first of 3 consecutive A bases (chr10:77,090,450-77,090,452); deleting any one gives the same sequence. VCF-style (leftmost placement, unchanged base first): chr10-77090449-GA-G. GRCh37 (hg19) VCF-style: chr10-78850207-GA-G.
Other names: c.1284del, p.Leu429fs (NM_001014797.3, NM_001161353.2, NM_001271519.2 and 7 more transcripts); c.1122del, p.Leu375fs (NM_001271518.2); c.744del, p.Leu249fs (NM_001322838.2); short protein forms L249fs, L429fs, L375fs.
Identifiers: ClinVar variation 1414943 (VCV001414943.1), dbSNP rs2153792334, ClinGen allele CA2573145846.

ClinVar aggregate classification (germline): Pathogenic (1 of 4 stars; one submission).

Conditions:
Generalized epilepsy-paroxysmal dyskinesia syndrome (PNKD3). Also called: Paroxysmal nonkinesigenic dyskinesia, 3, with or without generalized epilepsy; Generalized epilepsy and paroxysmal dyskinesia. Identifiers: Orphanet 79137, MedGen C5574945, MONDO:0012276, OMIM 609446.

Submission:

Labcorp Genetics (formerly Invitae), Labcorp
Classification: Pathogenic for Generalized epilepsy-paroxysmal dyskinesia syndrome. Last evaluated: 2020-12-26. Review status: criteria provided, single submitter. Criteria: Invitae Variant Classification Sherloc (09022015). Collection method: clinical testing. Allele origin: germline.
Comment: This sequence change creates a premature translational stop signal (p.Leu429Cysfs*53) in the KCNMA1 gene. It is expected to result in an absent or disrupted protein product. Loss-of-function variants in KCNMA1 are known to be pathogenic (PMID: 27567911, 29545233). This variant is not present in population databases (ExAC no frequency). This variant has not been reported in the literature in individuals with KCNMA1-related conditions. For these reasons, this variant has been classified as Pathogenic.

Literature cited by the submitters: PubMed 27567911; PubMed 29545233.